The following is an entry in ClinVar:

NM_000377.3(WAS):c.356G>A (p.Gly119Glu)

Gene: WAS (WASP actin nucleation promoting factor; plus strand). Cytogenetic location: Xp11.23.
Variant type: single nucleotide variant.
Coding change: c.356G>A on transcript NM_000377.3 (MANE Select); coding-DNA position 356, G replaced by A.
Protein change: p.Gly119Glu; replaces glycine 119 with glutamic acid.
Molecular consequence: missense variant.
Genome position (GRCh38, 1-based): chrX:48,685,629, G>A. VCF-style: chrX-48685629-G-A. GRCh37 (hg19) VCF-style: chrX-48544018-G-A.
Other names: short protein forms G119E.
Identifiers: ClinVar variation 3356240 (VCV003356240.2).

ClinVar aggregate classification (germline): Likely pathogenic. Review status: criteria provided, single submitter (1 of 4 stars). 2 submissions from 2 submitters: Likely pathogenic (1). 1 of the submissions does not count toward it. Last evaluated 2021-09-28.

Conditions:
WAS-related disorder. Also called: WAS-Related Disorders; WAS-related condition. Identifiers: MedGen CN381538.

Submissions (2):

Blueprint Genetics
Classification: Likely pathogenic for WAS-related disorders. Last evaluated: 2021-09-28. Review status: criteria provided, single submitter. Criteria: ACMG Guidelines, 2015. Collection method: clinical testing. Allele origin: germline. Affected: yes. Observed: 4 variant alleles.

PreventionGenetics, part of Exact Sciences
Classification: Pathogenic for WAS-related condition. Last evaluated: 2024-08-27. Review status: no assertion criteria provided. Collection method: clinical testing. Allele origin: germline. Not counted in ClinVar's aggregate classification.
Comment: The WAS c.356G>A variant is predicted to result in the amino acid substitution p.Gly119Glu. This variant is alternatively referred to as c.390G>A in the literature and has been reported in multiple individuals with Wiskott-Aldrich syndrome (Table 1, Greer et al. 1996. PubMed ID: 8931701; Jin et al. 2004. PubMed ID: 15284122; Chiang et al .2008. PubMed ID: 29729304; Jyonouchi et al. 2017. PubMed ID: 28232030). The p.Gly119Glu variant results in reduced WAS expression in patient-derived cells and in whole-blood of patients (Jin et al. 2004. PubMed ID: 15284122; Chiang et al .2008. PubMed ID: 29729304). In functional assays this variant showed only partial growth-rescue of WAS-deficient yeast but did not impact WASP localization (Rajmohan et al. 2009. PubMed ID: 19817875). This variant is located within the WH1 domain which is a mutational hotspot (Rajmohan et al. 2009. PubMed ID: 19817875). This variant has not been reported in a large population database, indicating this variant is rare. This variant is interpreted as pathogenic.